The following is an entry in ClinVar:

NM_000430.4(PAFAH1B1):c.608A>T (p.Asn203Ile)

Gene: PAFAH1B1 (platelet activating factor acetylhydrolase 1b regulatory subunit 1; plus strand). Cytogenetic location: 17p13.3.
Variant type: single nucleotide variant.
Coding change: c.608A>T on transcript NM_000430.4 (MANE Select); coding-DNA position 608, A replaced by T.
Protein change: p.Asn203Ile; replaces asparagine 203 with isoleucine.
Molecular consequence: missense variant.
Genome position (GRCh38, 1-based): chr17:2,672,694, A>T. VCF-style: chr17-2672694-A-T. GRCh37 (hg19) VCF-style: chr17-2575988-A-T.
Other names: short protein forms N203I.
Identifiers: ClinVar variation 3657278 (VCV003657278.2).

ClinVar aggregate classification (germline): Uncertain significance (1 of 4 stars; one submission).

gnomAD v4.1: 1 of 1,613,548 alleles (0.000062%); highest among the groups gnomAD compares: East Asian, 0.0022%; no homozygotes.

Submission:

Labcorp Genetics (formerly Invitae), Labcorp
Classification: Uncertain significance. Last evaluated: 2024-07-19. Review status: criteria provided, single submitter. Criteria: Invitae Variant Classification Sherloc (09022015). Collection method: clinical testing. Allele origin: germline.
Comment: This sequence change replaces asparagine, which is neutral and polar, with isoleucine, which is neutral and non-polar, at codon 203 of the PAFAH1B1 protein (p.Asn203Ile). This variant is present in population databases (no rsID available, gnomAD 0.006%). This variant has not been reported in the literature in individuals affected with PAFAH1B1-related conditions. An algorithm developed to predict the effect of missense changes on protein structure and function (PolyPhen-2) suggests that this variant is likely to be tolerated. In summary, the available evidence is currently insufficient to determine the role of this variant in disease. Therefore, it has been classified as a Variant of Uncertain Significance.